The following is an entry in ClinVar:

ClinVar aggregate classification (germline): Uncertain significance. Review status: criteria provided, multiple submitters, no conflicts (2 of 4 stars). 7 submissions from 7 submitters: Uncertain significance (7). Last evaluated 2025-08-29.

Conditions:
Hereditary cancer-predisposing syndrome. Also called: Hereditary neoplastic syndrome; Neoplastic Syndromes, Hereditary; Tumor predisposition; Hereditary Cancer Syndrome. Identifiers: Orphanet 140162, MedGen C0027672, MeSH D009386, MONDO:0015356.
Hereditary breast ovarian cancer syndrome. Also called: Hereditary breast and ovarian cancer syndrome (HBOC); Breast and ovarian cancer; Hereditary breast and/or ovarian cancer syndrome; BRCA1- and BRCA2-Associated Hereditary Breast and Ovarian Cancer; Hereditary breast and ovarian cancer syndrome; Hereditary breast and ovarian cancer. Identifiers: Orphanet 145, MedGen C0677776, MeSH D061325, MONDO:0003582. Disease mechanism: loss of function.

gnomAD v4.1: 1 of 1,612,618 alleles (0.000062%); highest among the groups gnomAD compares: Non-Finnish European, 0.000085%; no homozygotes.

Submissions (7):

Ambry Genetics
Classification: Uncertain significance for Hereditary cancer-predisposing syndrome. Last evaluated: 2025-08-29. Review status: criteria provided, single submitter. Criteria: Ambry Variant Classification Scheme 2023. Collection method: clinical testing. Allele origin: germline.
Comment: The p.G1371R variant (also known as c.4111G>C), located in coding exon 10 of the BRCA1 gene, results from a G to C substitution at nucleotide position 4111. The glycine at codon 1371 is replaced by arginine, an amino acid with dissimilar properties. One study detected this alteration in 0/1398 patients with unilateral breast cancer and 1/705 patients with contralateral breast cancer (Borg A et al. Hum Mutat, 2010 Mar;31:E1200-40). This amino acid position is not well conserved in available vertebrate species. In addition, this alteration is predicted to be deleterious by in silico analysis. Based on the available evidence, the clinical significance of this variant remains unclear.

Labcorp Genetics (formerly Invitae), Labcorp
Classification: Uncertain significance for Hereditary breast ovarian cancer syndrome. Last evaluated: 2025-07-30. Review status: criteria provided, single submitter. Criteria: Invitae Variant Classification Sherloc (09022015). Collection method: clinical testing. Allele origin: germline.
Comment: This sequence change replaces glycine, which is neutral and non-polar, with arginine, which is basic and polar, at codon 1371 of the BRCA1 protein (p.Gly1371Arg). This variant is not present in population databases (gnomAD no frequency). This missense change has been observed in individual(s) with breast cancer (PMID: 20104584). ClinVar contains an entry for this variant (Variation ID: 185744). Invitae Evidence Modeling of protein sequence and biophysical properties (such as structural, functional, and spatial information, amino acid conservation, physicochemical variation, residue mobility, and thermodynamic stability) has been performed for this missense variant. However, the output from this modeling did not meet the statistical confidence thresholds required to predict the impact of this variant on BRCA1 protein function. In summary, the available evidence is currently insufficient to determine the role of this variant in disease. Therefore, it has been classified as a Variant of Uncertain Significance.

Color Diagnostics, LLC DBA Color Health
Classification: Uncertain significance for Hereditary cancer-predisposing syndrome. Last evaluated: 2025-06-11. Review status: criteria provided, single submitter. Criteria: ACMG Guidelines, 2015. Collection method: clinical testing. Allele origin: germline.
Comment: This missense variant replaces glycine with arginine at codon 1371 of the BRCA1 protein. Computational prediction suggests that this variant may not impact protein structure and function. To our knowledge, functional studies have not been reported for this variant. This variant has been reported in at least one individual affected with breast cancer (PMID: 20104584, 21520273). A multifactorial analysis has reported likelihood ratios for pathogenicity based on co-occurrence with a pathogenic variant and family history of 1.1026 and 1.4557, respectively (PMID: 31131967). This variant has not been identified in the general population by the Genome Aggregation Database (gnomAD). The available evidence is insufficient to determine the role of this variant in disease conclusively. Therefore, this variant is classified as a Variant of Uncertain Significance.

GeneDx
Classification: Uncertain significance. Last evaluated: 2023-11-20. Review status: criteria provided, single submitter. Criteria: GeneDx Variant Classification Process June 2021. Collection method: clinical testing. Allele origin: germline. Affected: yes.
Comment: In silico analysis supports that this missense variant has a deleterious effect on protein structure/function; Not observed at significant frequency in large population cohorts (gnomAD); Also known as 4230G>C; This variant is associated with the following publications: (PMID: 29884841, 20104584, 31131967, 32377563, 15343273, 22737296, 21520273)

Mayo Clinic Laboratories, Mayo Clinic
Classification: Uncertain significance. Last evaluated: 2023-06-28. Review status: criteria provided, single submitter. Criteria: ACMG Guidelines, 2015. Collection method: clinical testing. Allele origin: germline. Observed: 4 variant alleles.
Comment: PM2

Institute for Clinical Genetics, University Hospital TU Dresden, University Hospital TU Dresden
Classification: Uncertain significance. Last evaluated: 2021-11-03. Review status: criteria provided, single submitter. Criteria: ACMG Guidelines, 2015. Collection method: clinical testing. Allele origin: germline.

Women's Health and Genetics/Laboratory Corporation of America, LabCorp
Classification: Uncertain significance. Last evaluated: 2018-03-12. Review status: criteria provided, single submitter. Criteria: LabCorp Variant Classification Summary - May 2015. Collection method: clinical testing. Allele origin: germline.
Comment: Variant summary: BRCA1 c.4111G>C (p.Gly1371Arg) results in a non-conservative amino acid change in the encoded protein sequence. Three of five in-silico tools predict a benign effect of the variant on protein function. The variant allele was found at a frequency of 4.1e-06 in 243394 control chromosomes (gnomAD). The available data on variant occurrences in the general population are insufficient to allow any conclusion about variant significance. c.4111G>C has been reported in the literature in individuals affected with Hereditary Breast and Ovarian Cancer (Borg_2010). These report(s) do not provide unequivocal conclusions about association of the variant with Hereditary Breast and Ovarian Cancer. To our knowledge, no experimental evidence demonstrating an impact on protein function has been reported. One clinical diagnostic laboratory has submitted clinical-significance assessments for this variant to ClinVar after 2014 without evidence for independent evaluation and classified the variant as uncertain significance. Based on the evidence outlined above, the variant was classified as uncertain significance.

Literature cited by the submitters: PubMed 20104584 (cited by 4 submitters); PubMed 21520273 (cited by 3 submitters); PubMed 31131967 (cited by Color Diagnostics, LLC DBA Color Health); PubMed 31465090 (cited by Mayo Clinic Laboratories, Mayo Clinic).

NM_007294.4(BRCA1):c.4111G>C (p.Gly1371Arg)

Gene: BRCA1 (BRCA1 DNA repair associated; minus strand). Cytogenetic location: 17q21.31.
Variant type: single nucleotide variant.
Coding change: c.4111G>C on transcript NM_007294.4 (MANE Select); coding-DNA position 4111, G replaced by C.
Protein change: p.Gly1371Arg; replaces glycine 1371 with arginine.
Molecular consequence: missense variant. On other transcripts: non-coding transcript variant (1).
Genome position (GRCh38, 1-based): chr17:43,091,018, C>G on the plus strand (G>C on the coding strand, the complement: BRCA1 is on the minus strand). VCF-style: chr17-43091018-C-G. GRCh37 (hg19) VCF-style: chr17-41243035-C-G.
Other names: p.Gly1371Arg; c.3901G>C, p.Gly1301Arg (NM_001407902.1, NM_001407904.1, NM_001407906.1 and 13 more transcripts); c.3898G>C, p.Gly1300Arg (NM_001407915.1, NM_001407916.1, NM_001407917.1 and 9 more transcripts); c.3988G>C, p.Gly1330Arg (NM_001407919.1, NM_001407937.1, NM_001407938.1 and 19 more transcripts); c.3847G>C, p.Gly1283Arg (NM_001407920.1, NM_001407921.1, NM_001407922.1 and 9 more transcripts); c.3844G>C, p.Gly1282Arg (NM_001407930.1, NM_001407931.1, NM_001407932.1 and 2 more transcripts); c.3985G>C, p.Gly1329Arg (NM_001407940.1, NM_001407941.1, NM_001407649.1 and 11 more transcripts); c.3970G>C, p.Gly1324Arg (NM_001407942.1, NM_001407944.1, NM_001407945.1 and 29 more transcripts); and 42 more; short protein forms G1371R, G268R, G1324R, G1244R, G1300R, G1301R, G1345R, G1368R.
Identifiers: ClinVar variation 185744 (VCV000185744.26), dbSNP rs774593602, ClinGen allele CA002633.